The following is an entry in ClinVar:

ClinVar aggregate classification (germline): Uncertain significance (1 of 4 stars; one submission).

Submission:

Labcorp Genetics (formerly Invitae), Labcorp
Classification: Uncertain significance. Last evaluated: 2025-11-27. Review status: criteria provided, single submitter. Criteria: Invitae Variant Classification Sherloc (09022015). Collection method: clinical testing. Allele origin: germline.
Comment: This sequence change creates a premature translational stop signal (p.Phe254Cysfs*2) in the SLC18A3 gene. While this is not anticipated to result in nonsense mediated decay, it is expected to disrupt the last 279 amino acid(s) of the SLC18A3 protein. This variant is not present in population databases (gnomAD no frequency). This variant has not been reported in the literature in individuals affected with SLC18A3-related conditions. Experimental studies and prediction algorithms are not available or were not evaluated, and the functional significance of this variant is currently unknown. In summary, the available evidence is currently insufficient to determine the role of this variant in disease. Therefore, it has been classified as a Variant of Uncertain Significance.

NM_003055.3(SLC18A3):c.760_761insG (p.Phe254fs)

Genes: CHAT (choline O-acetyltransferase; plus strand), SLC18A3 (solute carrier family 18 member A3; plus strand). Cytogenetic location: 10q11.23.
Variant type: Insertion.
Coding change: c.760_761insG on transcript NM_003055.3 (MANE Select); coding-DNA positions 760 to 761, G inserted.
Protein change: p.Phe254fs; shifts the reading frame from phenylalanine 254.
Molecular consequence: frameshift variant. On other transcripts: intron variant (1).
Genome position: GRCh38 VCF-style: chr10-49611500-T-TG. GRCh37 (hg19) VCF-style: chr10-50819546-T-TG.
Other names: c.-69+2301_-69+2302insG (NM_020984.4); short protein forms F254fs.
Identifiers: ClinVar variation 4730941 (VCV004730941.1).
Genomic context (GRCh38, chr10:49,611,500, plus strand): 5'-ATCCTCTATGAGTTCGCCGGCAAGCGCGTGCCCTTCTTGGTGCTAGCTGCCGTGTCGCTC[T>TG]TTGACGCGCTGTTGCTGCTGGCAGTGGCCAAACCCTTCTCGGCGGCTGCACGGGCTCGGG-3'